The following is an entry in ClinVar:

NM_016222.4(DDX41):c.952G>A (p.Val318Met)

Gene: DDX41 (DEAD-box helicase 41; minus strand). Cytogenetic location: 5q35.3.
Variant type: single nucleotide variant.
Coding change: c.952G>A on transcript NM_016222.4 (MANE Select); coding-DNA position 952, G replaced by A.
Protein change: p.Val318Met; replaces valine 318 with methionine.
Molecular consequence: missense variant.
Genome position (GRCh38, 1-based): chr5:177,513,831, C>T on the plus strand (G>A on the coding strand, the complement: DDX41 is on the minus strand). VCF-style: chr5-177513831-C-T. GRCh37 (hg19) VCF-style: chr5-176940832-C-T.
Other names: c.574G>A, p.Val192Met (NM_001321732.2, NM_001321830.2); short protein forms V192M, V318M.
Identifiers: ClinVar variation 2611309 (VCV002611309.3), dbSNP rs758175653, ClinGen allele CA3584937.

ClinVar aggregate classification (germline): Uncertain significance (1 of 4 stars; one submission).

Conditions:
Inborn genetic diseases. Identifiers: MedGen C0950123, MeSH D030342.

Allele frequency attached by ClinVar (database versions not stated): ExAC 0.00001.

Submission:

Ambry Genetics
Classification: Uncertain significance for Inborn genetic diseases. Last evaluated: 2025-12-07. Review status: criteria provided, single submitter. Criteria: Ambry Variant Classification Scheme 2023. Collection method: clinical testing. Allele origin: germline.
Comment: The p.V318M variant (also known as c.952G>A), located in coding exon 10 of the DDX41 gene, results from a G to A substitution at nucleotide position 952. The valine at codon 318 is replaced by methionine, an amino acid with highly similar properties. This amino acid position is conserved. In addition, the in silico prediction for this alteration is inconclusive. Based on the available evidence, the clinical significance of this variant remains unclear.